The following is an entry in ClinVar:

NM_001287.6(CLCN7):c.263A>G (p.Lys88Arg)

Gene: CLCN7 (chloride voltage-gated channel 7; minus strand). Cytogenetic location: 16p13.3.
Variant type: single nucleotide variant.
Coding change: c.263A>G on transcript NM_001287.6 (MANE Select); coding-DNA position 263, A replaced by G.
Protein change: p.Lys88Arg; replaces lysine 88 with arginine.
Molecular consequence: missense variant.
Genome position (GRCh38, 1-based): chr16:1,461,625, T>C on the plus strand (A>G on the coding strand, the complement: CLCN7 is on the minus strand). VCF-style: chr16-1461625-T-C. GRCh37 (hg19) VCF-style: chr16-1511626-T-C.
Other names: c.191A>G, p.Lys64Arg (NM_001114331.3); short protein forms K88R, K64R.
Identifiers: ClinVar variation 1348902 (VCV001348902.6), dbSNP rs2142390280, ClinGen allele CA394193179.
Genomic context (GRCh38, chr16:1,461,625, plus strand): 5'-GCCGGGTCTCAGGGTCAGGGGGACAGAAGGACGCCCACCTCATACTTGAGGGACAGGAGC[T>C]TCTCGTTGTGTGGGATCTCCTTGGGGAAGGGATGTGGAGGGTCCATATCCTGTGGCAGAA-3'
Protein context (NP_001278.1, residues 78-98): PFPKEIPHNE[Lys88Arg]LLSLKYESLD

ClinVar aggregate classification (germline): Uncertain significance (1 of 4 stars; one submission).

Submission:

Labcorp Genetics (formerly Invitae), Labcorp
Classification: Uncertain significance. Last evaluated: 2025-01-06. Review status: criteria provided, single submitter. Criteria: Invitae Variant Classification Sherloc (09022015). Collection method: clinical testing. Allele origin: germline.
Comment: This sequence change replaces lysine, which is basic and polar, with arginine, which is basic and polar, at codon 88 of the CLCN7 protein (p.Lys88Arg). This variant is not present in population databases (gnomAD no frequency). This variant has not been reported in the literature in individuals affected with CLCN7-related conditions. ClinVar contains an entry for this variant (Variation ID: 1348902). Invitae Evidence Modeling of protein sequence and biophysical properties (such as structural, functional, and spatial information, amino acid conservation, physicochemical variation, residue mobility, and thermodynamic stability) indicates that this missense variant is not expected to disrupt CLCN7 protein function with a negative predictive value of 95%. In summary, the available evidence is currently insufficient to determine the role of this variant in disease. Therefore, it has been classified as a Variant of Uncertain Significance.